The following is an entry in ClinVar:

ClinVar aggregate classification (germline): Uncertain significance (1 of 4 stars; one submission).

Conditions:
Neurofibromatosis, type 1 (NF1). Also called: Neurofibromatosis, type I; VON RECKLINGHAUSEN DISEASE; NEUROFIBROMATOSIS, TYPE I, SOMATIC; Peripheral type neurofibromatosis. Identifiers: Orphanet 636, MedGen C0027831, MONDO:0018975, OMIM 162200. Disease mechanism: loss of function.

Submission:

Labcorp Genetics (formerly Invitae), Labcorp
Classification: Uncertain significance for Neurofibromatosis, type 1. Last evaluated: 2025-10-08. Review status: criteria provided, single submitter. Criteria: Invitae Variant Classification Sherloc (09022015). Collection method: clinical testing. Allele origin: germline.
Comment: This sequence change replaces aspartic acid, which is acidic and polar, with histidine, which is basic and polar, at codon 1302 of the NF1 protein (p.Asp1302His). This variant is not present in population databases (gnomAD no frequency). This variant has not been reported in the literature in individuals affected with NF1-related conditions. Invitae Evidence Modeling of protein sequence and biophysical properties (such as structural, functional, and spatial information, amino acid conservation, physicochemical variation, residue mobility, and thermodynamic stability) indicates that this missense variant is not expected to disrupt NF1 protein function with a negative predictive value of 95%. In summary, the available evidence is currently insufficient to determine the role of this variant in disease. Therefore, it has been classified as a Variant of Uncertain Significance.

NM_001042492.3(NF1):c.3904G>C (p.Asp1302His)

Gene: NF1 (neurofibromin 1; plus strand). Cytogenetic location: 17q11.2.
Variant type: single nucleotide variant.
Coding change: c.3904G>C on transcript NM_001042492.3 (MANE Select); coding-DNA position 3904, G replaced by C.
Protein change: p.Asp1302His; replaces aspartic acid 1302 with histidine.
Molecular consequence: missense variant.
Genome position (GRCh38, 1-based): chr17:31,235,951, G>C. VCF-style: chr17-31235951-G-C. GRCh37 (hg19) VCF-style: chr17-29562969-G-C.
Other names: c.3904G>C, p.Asp1302His (NM_000267.4); short protein forms D1302H.
Identifiers: ClinVar variation 4773899 (VCV004773899.1).